The following is an entry in ClinVar:

NM_001142864.4(PIEZO1):c.4788G>A (p.Ala1596=)

Gene: PIEZO1 (piezo type mechanosensitive ion channel component 1 (Er blood group); minus strand). Cytogenetic location: 16q24.3.
Variant type: single nucleotide variant.
Coding change: c.4788G>A on transcript NM_001142864.4 (MANE Select); coding-DNA position 4788, G replaced by A.
Protein change: p.Ala1596=; no amino-acid change (alanine 1596 retained).
Molecular consequence: synonymous variant.
Genome position (GRCh38, 1-based): chr16:88,722,385, C>T on the plus strand (G>A on the coding strand, the complement: PIEZO1 is on the minus strand). VCF-style: chr16-88722385-C-T. GRCh37 (hg19) VCF-style: chr16-88788793-C-T.
Identifiers: ClinVar variation 3355648 (VCV003355648.3).

ClinVar aggregate classification (germline): Benign. Review status: criteria provided, single submitter (1 of 4 stars). 2 submissions from 2 submitters: Benign (1). 1 of the submissions does not count toward it. Last evaluated 2025-12-29.

Conditions:
PIEZO1-related disorder. Also called: PIEZO1-related condition; PIEZO1-Related Disorders.

gnomAD v4.1: 580 of 1,505,082 alleles (0.039%); highest among the groups gnomAD compares: African/African-American, 0.058%; no homozygotes.

Submissions (2):

Labcorp Genetics (formerly Invitae), Labcorp
Classification: Benign. Last evaluated: 2025-12-29. Review status: criteria provided, single submitter. Criteria: Invitae Variant Classification Sherloc (09022015). Collection method: clinical testing. Allele origin: germline.

PreventionGenetics, part of Exact Sciences
Classification: Likely benign for PIEZO1-related condition. Last evaluated: 2024-06-25. Review status: no assertion criteria provided. Collection method: clinical testing. Allele origin: germline. Not counted in ClinVar's aggregate classification.
Comment: This variant is classified as likely benign based on ACMG/AMP sequence variant interpretation guidelines (Richards et al. 2015 PMID: 25741868, with internal and published modifications).